The following is an entry in ClinVar:

NM_000053.4(ATP7B):c.2995A>T (p.Thr999Ser)

Gene: ATP7B (ATPase copper transporting beta; minus strand). Cytogenetic location: 13q14.3.
Variant type: single nucleotide variant.
Coding change: c.2995A>T on transcript NM_000053.4 (MANE Select); coding-DNA position 2995, A replaced by T.
Protein change: p.Thr999Ser; replaces threonine 999 with serine.
Molecular consequence: missense variant. On other transcripts: intron variant (6).
Genome position (GRCh38, 1-based): chr13:51,946,349, T>A on the plus strand (A>T on the coding strand, the complement: ATP7B is on the minus strand). VCF-style: chr13-51946349-T-A. GRCh37 (hg19) VCF-style: chr13-52520485-T-A.
Other names: c.2374A>T, p.Thr792Ser (NM_001005918.3); c.2662A>T, p.Thr888Ser (NM_001243182.2); c.2761A>T, p.Thr921Ser (NM_001330578.2, NM_001406538.1, NM_001406527.1 and 1 more transcripts); c.2743A>T, p.Thr915Ser (NM_001330579.2, NM_001406531.1, NM_001406532.1); c.2995A>T, p.Thr999Ser (NM_001406511.1, NM_001406512.1, NM_001406513.1 and 2 more transcripts); c.2962A>T, p.Thr988Ser (NM_001406514.1); c.2941A>T, p.Thr981Ser (NM_001406515.1, NM_001406516.1); c.2899A>T, p.Thr967Ser (NM_001406517.1, NM_001406518.1); and 18 more; short protein forms T569S, T783S, T792S, T805S, T837S, T856S, T883S, T888S.
Identifiers: ClinVar variation 3074742 (VCV003074742.2), dbSNP rs1593681041, ClinGen allele CA388032096.

ClinVar aggregate classification (germline): Uncertain significance. Review status: criteria provided, multiple submitters, no conflicts (2 of 4 stars). 2 submissions from 2 submitters: Uncertain significance (2). Last evaluated 2024-03-23.

Conditions:
Wilson disease (WND). Also called: Wilson's disease. Identifiers: Orphanet 905, MedGen C0019202, MONDO:0010200, OMIM 277900. Disease mechanism: loss of function.

Allele frequency attached by ClinVar (database versions not stated): gnomAD exomes below 0.00001.
gnomAD v4.1: 1 of 1,612,070 alleles (0.000062%); highest among the groups gnomAD compares: Non-Finnish European, 0.000085%; no homozygotes.

Submissions (2):

Fulgent Genetics
Classification: Uncertain significance for Wilson disease. Last evaluated: 2024-03-23. Review status: criteria provided, single submitter. Criteria: ACMG Guidelines, 2015. Collection method: clinical testing. Allele origin: germline.

All of Us Research Program, National Institutes of Health
Classification: Uncertain significance for Wilson disease. Last evaluated: 2023-12-13. Review status: criteria provided, single submitter. Criteria: ACMG Guidelines, 2015. Collection method: clinical testing. Allele origin: germline. Inheritance: Autosomal recessive inheritance. Observed: 1 variant allele, 1 heterozygote.
Comment: This missense variant replaces threonine with serine at codon 999 of the ATP7B protein. Computational prediction suggests that this variant may have deleterious impact on protein structure and function (internally defined REVEL score threshold >= 0.7, PMID: 27666373). To our knowledge, functional studies have not been reported for this variant. This variant has not been reported in individuals affected with ATP7B-related disorders in the literature. This variant has not been identified in the general population by the Genome Aggregation Database (gnomAD). The available evidence is insufficient to determine the role of this variant in disease conclusively. Therefore, this variant is classified as a Variant of Uncertain Significance.

This study involves interpretation of variants in research participants for the purpose of population health screening. Participant phenotype was not available at the time of variant classification. Additional details can be found in publication PMID: 35346344, PMCID: PMC8962531